The following is an entry in ClinVar:

ClinVar aggregate classification (germline): Uncertain significance. Review status: criteria provided, single submitter (1 of 4 stars). 2 submissions from 2 submitters: Uncertain significance (1). 1 of the submissions does not count toward it. Last evaluated 2026-07-01.

Conditions:
Glycogen storage disease, type II (IOPD). Also called: POMPE DISEASE, INFANTILE-ONSET; GLYCOGEN STORAGE DISEASE II, INFANTILE-ONSET; ACID ALPHA-GLUCOSIDASE DEFICIENCY, INFANTILE-ONSET; GAA DEFICIENCY, INFANTILE-ONSET; ACID MALTASE DEFICIENCY, INFANTILE-ONSET; CARDIOMEGALIA GLYCOGENICA DIFFUSA. Identifiers: Orphanet 365, MedGen C0017921, MONDO:0009290, OMIM 232300.

Submissions (2):

Genomenon, Inc
Classification: Uncertain significance for Glycogen storage disease, type II. Last evaluated: 2026-07-01. Review status: criteria provided, single submitter. Criteria: Genomenon Sequence Variant Interpretation Standards - Updated. Collection method: curation. Allele origin: germline. Affected: yes.
Comment: GAA p.Gly862Arg (c.2584G>A) is a missense variant that changes the amino acid at codon 862 from Glycine to Arginine. This variant has been observed in at least one proband with a GAA-related disorder in the compound heterozygous and/or homozygous state (PMID:28648663). It is absent or not present at a significant frequency in gnomAD. In silico models predict that this variant is possibly or probably damaging. In conclusion, we classify GAA p.Gly862Arg (c.2584G>A) as a variant of uncertain significance.

Counsyl
Classification: Uncertain significance for Glycogen storage disease, type II. Last evaluated: 2018-03-14. Review status: no assertion criteria provided. Collection method: clinical testing. Allele origin: unknown. Not counted in ClinVar's aggregate classification.

Literature cited by the submitters: PubMed 28648663 (cited by Genomenon, Inc).

NM_000152.5(GAA):c.2584G>A (p.Gly862Arg)

Gene: GAA (alpha glucosidase; plus strand). Cytogenetic location: 17q25.3.
Variant type: single nucleotide variant.
Coding change: c.2584G>A on transcript NM_000152.5 (MANE Select); coding-DNA position 2584, G replaced by A.
Protein change: p.Gly862Arg; replaces glycine 862 with arginine.
Molecular consequence: missense variant.
Genome position (GRCh38, 1-based): chr17:80,118,295, G>A. VCF-style: chr17-80118295-G-A. GRCh37 (hg19) VCF-style: chr17-78092094-G-A.
Other names: c.2584G>A (LRG_673t1); c.2584G>A, p.Gly862Arg (NM_001079803.3, NM_001079804.3); short protein forms G862R.
Identifiers: ClinVar variation 557292 (VCV000557292.3), dbSNP rs1555603113, ClinGen allele CA401326273.